The following is an entry in ClinVar:

ClinVar aggregate classification (germline): Benign/Likely benign. Review status: criteria provided, multiple submitters, no conflicts (2 of 4 stars). 2 submissions from 2 submitters: Benign (1); Likely benign (1). Last evaluated 2026-08-01.

gnomAD v4.1: 7,521 of 1,613,880 alleles (0.47%); highest among the groups gnomAD compares: Non-Finnish European, 0.58%; 26 homozygotes.

Submissions (2):

CeGaT Center for Human Genetics Tuebingen
Classification: Benign. Last evaluated: 2026-08-01. Review status: criteria provided, single submitter. Criteria: CeGaT Center For Human Genetics Tuebingen Variant Classification Criteria Version 2. Collection method: clinical testing. Allele origin: germline. Affected: yes. Observed: 4 variant alleles.
Comment: U2AF2: BP4, BP7, BS1, BS2

Blueprint Genetics
Classification: Likely benign. Last evaluated: 2024-11-25. Review status: criteria provided, single submitter. Criteria: ACMG Guidelines, 2015. Collection method: clinical testing. Allele origin: germline.

NM_007279.3(U2AF2):c.1173C>T (p.Asp391=)

Gene: U2AF2 (U2 small nuclear RNA auxiliary factor 2; plus strand). Cytogenetic location: 19q13.42.
Variant type: single nucleotide variant.
Coding change: c.1173C>T on transcript NM_007279.3 (MANE Select); coding-DNA position 1173, C replaced by T.
Protein change: p.Asp391=; no amino-acid change (aspartic acid 391 retained).
Molecular consequence: synonymous variant.
Genome position (GRCh38, 1-based): chr19:55,669,572, C>T. VCF-style: chr19-55669572-C-T. GRCh37 (hg19) VCF-style: chr19-56180938-C-T.
Other names: c.1161C>T, p.Asp387= (NM_001012478.2).
Identifiers: ClinVar variation 3387921 (VCV003387921.15).